The following is an entry in ClinVar:

ClinVar aggregate classification (germline): Uncertain significance. Review status: criteria provided, multiple submitters, no conflicts (2 of 4 stars). 2 submissions from 2 submitters: Uncertain significance (2). Last evaluated 2024-11-26.

Conditions:
Dystonia 12 (DYT12). Also called: DYT-ATP1A3; Rapid-Onset Dystonia-Parkinsonism (RDP). Identifiers: Orphanet 71517, MedGen C1868681, MONDO:0007496, OMIM 128235.

Allele frequency attached by ClinVar (database versions not stated): TOPMed below 0.00001; ExAC 0.00001; gnomAD 0.00001; gnomAD exomes 0.00002.
gnomAD v4.1: 23 of 1,613,256 alleles (0.0014%); highest among the groups gnomAD compares: East Asian, 0.0022%; no homozygotes.

Submissions (2):

Labcorp Genetics (formerly Invitae), Labcorp
Classification: Uncertain significance for Dystonia 12. Last evaluated: 2024-11-26. Review status: criteria provided, single submitter. Criteria: Invitae Variant Classification Sherloc (09022015). Collection method: clinical testing. Allele origin: germline.
Comment: This sequence change replaces arginine, which is basic and polar, with cysteine, which is neutral and slightly polar, at codon 254 of the ATP1A3 protein (p.Arg254Cys). This variant is present in population databases (rs782783739, gnomAD 0.003%). This variant has not been reported in the literature in individuals affected with ATP1A3-related conditions. ClinVar contains an entry for this variant (Variation ID: 2035694). Invitae Evidence Modeling of protein sequence and biophysical properties (such as structural, functional, and spatial information, amino acid conservation, physicochemical variation, residue mobility, and thermodynamic stability) indicates that this missense variant is expected to disrupt ATP1A3 protein function with a positive predictive value of 95%. In summary, the available evidence is currently insufficient to determine the role of this variant in disease. Therefore, it has been classified as a Variant of Uncertain Significance.

Women's Health and Genetics/Laboratory Corporation of America, LabCorp
Classification: Uncertain significance. Last evaluated: 2023-10-24. Review status: criteria provided, single submitter. Criteria: LabCorp Variant Classification Summary - May 2015. Collection method: clinical testing. Allele origin: germline.
Comment: Variant summary: ATP1A3 c.760C>T (p.Arg254Cys) results in a non-conservative amino acid change in the encoded protein sequence. Five of five in-silico tools predict a damaging effect of the variant on protein function. The variant allele was found at a frequency of 2e-05 in 248640 control chromosomes. The available data on variant occurrences in the general population are insufficient to allow any conclusion about variant significance. To our knowledge, no occurrence of c.760C>T in individuals affected with ATP1A3-Related Disorders and no experimental evidence demonstrating its impact on protein function have been reported. One submitter has cited clinical-significance assessments for this variant to ClinVar after 2014 and has classified the variant as uncertain significance. Based on the evidence outlined above, the variant was classified as uncertain significance.

NM_152296.5(ATP1A3):c.760C>T (p.Arg254Cys)

Gene: ATP1A3 (ATPase Na+/K+ transporting subunit alpha 3; minus strand). Cytogenetic location: 19q13.2.
Variant type: single nucleotide variant.
Coding change: c.760C>T on transcript NM_152296.5 (MANE Select); coding-DNA position 760, C replaced by T.
Protein change: p.Arg254Cys; replaces arginine 254 with cysteine.
Molecular consequence: missense variant.
Genome position (GRCh38, 1-based): chr19:41,985,151, G>A on the plus strand (C>T on the coding strand, the complement: ATP1A3 is on the minus strand). VCF-style: chr19-41985151-G-A. GRCh37 (hg19) VCF-style: chr19-42489303-G-A.
Other names: c.799C>T, p.Arg267Cys (NM_001256214.2); c.793C>T, p.Arg265Cys (NM_001256213.2); short protein forms R265C, R254C, R267C.
Identifiers: ClinVar variation 2035694 (VCV002035694.5), dbSNP rs782783739, ClinGen allele CA9467779.